The following is an entry in ClinVar:

ClinVar aggregate classification (germline): Uncertain significance (1 of 4 stars; one submission).

Conditions:
Hyperinsulinism-hyperammonemia syndrome (HHF6). Identifiers: Orphanet 35878, MedGen C1847555, MONDO:0011717, OMIM 606762.

gnomAD v4.1: 1 of 1,612,876 alleles (0.000062%); highest among the groups gnomAD compares: Non-Finnish European, 0.000085%; no homozygotes.

Submission:

Labcorp Genetics (formerly Invitae), Labcorp
Classification: Uncertain significance for Hyperinsulinism-hyperammonemia syndrome. Last evaluated: 2025-07-08. Review status: criteria provided, single submitter. Criteria: Invitae Variant Classification Sherloc (09022015). Collection method: clinical testing. Allele origin: germline.
Comment: This sequence change replaces methionine, which is neutral and non-polar, with valine, which is neutral and non-polar, at codon 226 of the GLUD1 protein (p.Met226Val). This variant is not present in population databases (gnomAD no frequency). This variant has not been reported in the literature in individuals affected with GLUD1-related conditions. Invitae Evidence Modeling of protein sequence and biophysical properties (such as structural, functional, and spatial information, amino acid conservation, physicochemical variation, residue mobility, and thermodynamic stability) indicates that this missense variant is not expected to disrupt GLUD1 protein function with a negative predictive value of 80%. In summary, the available evidence is currently insufficient to determine the role of this variant in disease. Therefore, it has been classified as a Variant of Uncertain Significance.

NM_005271.5(GLUD1):c.676A>G (p.Met226Val)

Gene: GLUD1 (glutamate dehydrogenase 1; minus strand). Cytogenetic location: 10q23.2.
Variant type: single nucleotide variant.
Coding change: c.676A>G on transcript NM_005271.5 (MANE Select); coding-DNA position 676, A replaced by G.
Protein change: p.Met226Val; replaces methionine 226 with valine.
Molecular consequence: missense variant.
Genome position (GRCh38, 1-based): chr10:87,068,128, T>C on the plus strand (A>G on the coding strand, the complement: GLUD1 is on the minus strand). VCF-style: chr10-87068128-T-C. GRCh37 (hg19) VCF-style: chr10-88827885-T-C.
Other names: c.277A>G, p.Met93Val (NM_001318900.1); c.175A>G, p.Met59Val (NM_001318901.1, NM_001318902.1, NM_001318904.2 and 2 more transcripts); short protein forms M226V, M59V, M93V.
Identifiers: ClinVar variation 4765413 (VCV004765413.1).
Genomic context (GRCh38, chr10:87,068,128, plus strand): 5'-GCCCTATGGTGCTGGCATAGGTATCAGCGATCCAGGACATCTCCCGCTCACCTGTGCTCA[T>C]GTCTGGAGCAGGCACATCAATGCCAGGACCTGCGGGGGCACAGGGAAAGAGGAGTGCACC-3'
Protein context (NP_005262.1, residues 216-236): GPGIDVPAPD[Met226Val]STGEREMSWI